The following is an entry in ClinVar:

ClinVar aggregate classification (germline): Benign/Likely benign. Review status: criteria provided, multiple submitters, no conflicts (2 of 4 stars). 3 submissions from 3 submitters: Benign (1); Likely benign (2). Last evaluated 2025-12-21.

Conditions:
Hereditary cancer-predisposing syndrome. Also called: Neoplastic Syndromes, Hereditary; Tumor predisposition; Hereditary Cancer Syndrome; Hereditary neoplastic syndrome. Identifiers: Orphanet 140162, MedGen C0027672, MeSH D009386, MONDO:0015356.
Hereditary nonpolyposis colorectal neoplasms. Identifiers: MedGen C0009405, MeSH D003123.
Lynch syndrome 5 (LYNCH5). Also called: Hereditary non-polyposis colorectal cancer, type 5; Colorectal cancer, hereditary nonpolyposis, type 5. Identifiers: Orphanet 144, MedGen C1833477, MONDO:0013710, OMIM 614350. Disease mechanism: loss of function.

Submissions (3):

Ambry Genetics
Classification: Likely benign for Hereditary cancer-predisposing syndrome. Last evaluated: 2025-12-21. Review status: criteria provided, single submitter. Criteria: Ambry Variant Classification Scheme 2023. Collection method: clinical testing. Allele origin: germline.

Myriad Genetics, Inc.
Classification: Benign for Lynch syndrome 5. Last evaluated: 2025-01-03. Review status: criteria provided, single submitter. Criteria: Myriad Autosomal Dominant, Autosomal Recessive and X-Linked Classification Criteria (2023). Collection method: clinical testing. Allele origin: unknown.
Comment: This variant is considered benign. This variant is a silent/synonymous amino acid change and it is not expected to impact splicing.

Labcorp Genetics (formerly Invitae), Labcorp
Classification: Likely benign for Hereditary nonpolyposis colorectal neoplasms. Last evaluated: 2022-08-08. Review status: criteria provided, single submitter. Criteria: Invitae Variant Classification Sherloc (09022015). Collection method: clinical testing. Allele origin: germline.

NM_000179.3(MSH6):c.2844A>G (p.Glu948=)

Gene: MSH6 (mutS homolog 6; plus strand). Cytogenetic location: 2p16.3.
Variant type: single nucleotide variant.
Coding change: c.2844A>G on transcript NM_000179.3 (MANE Select); coding-DNA position 2844, A replaced by G.
Protein change: p.Glu948=; no amino-acid change (glutamic acid 948 retained).
Molecular consequence: synonymous variant. On other transcripts: non-coding transcript variant (5), intron variant (2).
Genome position (GRCh38, 1-based): chr2:47,800,827, A>G. VCF-style: chr2-47800827-A-G. GRCh37 (hg19) VCF-style: chr2-48027966-A-G.
Other names: c.2454A>G, p.Glu818= (NM_001281492.2); c.1938A>G, p.Glu646= (NM_001281493.2, NM_001281494.2, NM_001406811.1 and 6 more transcripts); c.2940A>G, p.Glu980= (NM_001406795.1, NM_001406802.1); c.2844A>G, p.Glu948= (NM_001406796.1, NM_001406798.1, NM_001406800.1 and 2 more transcripts); c.2547A>G, p.Glu849= (NM_001406797.1, NM_001406801.1, NM_001406805.1 and 10 more transcripts); c.2319A>G, p.Glu773= (NM_001406799.1, NM_001406806.1, NM_001406807.1); c.2766A>G, p.Glu922= (NM_001406804.1); c.2850A>G, p.Glu950= (NM_001406813.1); and 4 more.
Identifiers: ClinVar variation 2022224 (VCV002022224.6), dbSNP rs1558666921, ClinGen allele CA426121826.
Genomic context (GRCh38, chr2:47,800,827, plus strand): 5'-TCCCAAAGCAGGCTTTGACTCTGATTATGACCAAGCTCTTGCTGACATAAGAGAAAATGA[A>G]CAGAGCCTCCTGGAATACCTAGAGAAACAGCGCAACAGAATTGGCTGTAGGACCATAGTC-3'
Protein context (NP_000170.1, residues 938-958): DQALADIREN[Glu948=]QSLLEYLEKQ